The following is an entry in ClinVar:

ClinVar aggregate classification (germline): Uncertain significance (1 of 4 stars; one submission).

Conditions:
Progressive microcephaly-seizures-cortical blindness-developmental delay syndrome. Also called: Seizures, cortical blindness, and microcephaly syndrome. Identifiers: Orphanet 477814, MedGen C5567650, MONDO:0014714, OMIM 616632.
Autosomal dominant nonsyndromic hearing loss 1. Also called: KONIGSMARK SYNDROME; DEAFNESS, AUTOSOMAL DOMINANT 1, WITH OR WITHOUT THROMBOCYTOPENIA. Identifiers: Orphanet 90635, MedGen C1852282, MONDO:0007424, OMIM 124900.

Allele frequency attached by ClinVar (database versions not stated): gnomAD exomes below 0.00001; TOPMed below 0.00001.
gnomAD v4.1: 5 of 1,607,858 alleles (0.00031%); highest among the groups gnomAD compares: South Asian, 0.0055%; no homozygotes.

Submission:

Labcorp Genetics (formerly Invitae), Labcorp
Classification: Uncertain significance for Progressive microcephaly-seizures-cortical blindness-developmental delay syndrome; Autosomal dominant nonsyndromic hearing loss 1. Last evaluated: 2024-10-15. Review status: criteria provided, single submitter. Criteria: Invitae Variant Classification Sherloc (09022015). Collection method: clinical testing. Allele origin: germline.
Comment: This sequence change falls in intron 14 of the DIAPH1 gene. It does not directly change the encoded amino acid sequence of the DIAPH1 protein. It affects a nucleotide within the consensus splice site. This variant is present in population databases (no rsID available, gnomAD 0.007%). This variant has not been reported in the literature in individuals affected with DIAPH1-related conditions. Variants that disrupt the consensus splice site are a relatively common cause of aberrant splicing (PMID: 17576681, 9536098). Algorithms developed to predict the effect of sequence changes on RNA splicing suggest that this variant may disrupt the consensus splice site. In summary, the available evidence is currently insufficient to determine the role of this variant in disease. Therefore, it has been classified as a Variant of Uncertain Significance.

Literature cited by the submitters: PubMed 17576681; PubMed 9536098.

NM_005219.5(DIAPH1):c.1461+6T>C

Gene: DIAPH1 (diaphanous related formin 1; minus strand). Cytogenetic location: 5q31.3.
Variant type: single nucleotide variant.
Coding change: c.1461+6T>C on transcript NM_005219.5 (MANE Select); 6 bases into the intron after coding-DNA position 1461, T replaced by C.
Molecular consequence: intron variant.
Genome position (GRCh38, 1-based): chr5:141,576,224, A>G on the plus strand (T>C on the coding strand, the complement: DIAPH1 is on the minus strand). VCF-style: chr5-141576224-A-G. GRCh37 (hg19) VCF-style: chr5-140955791-A-G.
Other names: c.1434+6T>C (NM_001079812.3); c.1461+6T>C (NM_001314007.2).
Identifiers: ClinVar variation 2940125 (VCV002940125.3), dbSNP rs1429066884, ClinGen allele CA563368974.